The following is an entry in ClinVar:

NM_004525.3(LRP2):c.2514-2A>C

Gene: LRP2 (LDL receptor related protein 2; minus strand). Cytogenetic location: 2q31.1.
Variant type: single nucleotide variant.
Coding change: c.2514-2A>C on transcript NM_004525.3 (MANE Select); the canonical splice acceptor site of the intron before coding-DNA position 2514, A replaced by C.
Molecular consequence: splice acceptor variant.
Genome position (GRCh38, 1-based): chr2:169,257,251, T>G on the plus strand (A>C on the coding strand, the complement: LRP2 is on the minus strand). VCF-style: chr2-169257251-T-G. GRCh37 (hg19) VCF-style: chr2-170113761-T-G.
Identifiers: ClinVar variation 2900690 (VCV002900690.3), dbSNP rs2528428435, ClinGen allele CA349157229.
Genomic context (GRCh38, chr2:169,257,251, plus strand): 5'-CGTCACTCCATGCTCTCATAATTTTAGCAGGACGGAACCAATCAGTGAAGAATAGATACC[T>G]AGAAAAAGCAGTAGTAAATTAAGGCTGTTAACACTGGGACAAACTACATGACTTCCAGAG-3'

ClinVar aggregate classification (germline): Likely pathogenic (1 of 4 stars; one submission).

Submission:

Labcorp Genetics (formerly Invitae), Labcorp
Classification: Likely pathogenic. Last evaluated: 2022-12-23. Review status: criteria provided, single submitter. Criteria: Invitae Variant Classification Sherloc (09022015). Collection method: clinical testing. Allele origin: germline.
Comment: In summary, the currently available evidence indicates that the variant is pathogenic, but additional data are needed to prove that conclusively. Therefore, this variant has been classified as Likely Pathogenic. Algorithms developed to predict the effect of sequence changes on RNA splicing suggest that this variant may disrupt the consensus splice site. This variant has not been reported in the literature in individuals affected with LRP2-related conditions. This variant is not present in population databases (gnomAD no frequency). This sequence change affects an acceptor splice site in intron 17 of the LRP2 gene. It is expected to disrupt RNA splicing. Variants that disrupt the donor or acceptor splice site typically lead to a loss of protein function (PMID: 16199547), and loss-of-function variants in LRP2 are known to be pathogenic (PMID: 17632512, 25682901).

Literature cited by the submitters: PubMed 16199547; PubMed 17632512; PubMed 25682901.